The following is an entry in ClinVar:

NM_019098.5(CNGB3):c.1579-2A>G

Gene: CNGB3 (cyclic nucleotide gated channel subunit beta 3; minus strand). Cytogenetic location: 8q21.3.
Variant type: single nucleotide variant.
Coding change: c.1579-2A>G on transcript NM_019098.5 (MANE Select); the canonical splice acceptor site of the intron before coding-DNA position 1579, A replaced by G.
Molecular consequence: splice acceptor variant.
Genome position (GRCh38, 1-based): chr8:86,611,673, T>C on the plus strand (A>G on the coding strand, the complement: CNGB3 is on the minus strand). VCF-style: chr8-86611673-T-C. GRCh37 (hg19) VCF-style: chr8-87623901-T-C.
Identifiers: ClinVar variation 427705 (VCV000427705.6), dbSNP rs772725807, ClinGen allele CA4799959.

ClinVar aggregate classification (germline): Pathogenic/Likely pathogenic. Review status: criteria provided, multiple submitters, no conflicts (2 of 4 stars). 4 submissions from 4 submitters: Pathogenic (2); Likely pathogenic (1). 1 of the submissions does not count toward it. Last evaluated 2025-11-26.

Conditions:
CNGB3-related disorder. Also called: CNGB3-related condition; CNGB3-related disorders. Identifiers: MedGen CN239340.
Achromatopsia. Also called: Rod monochromatism. Identifiers: Orphanet 49382, MedGen C0152200, MONDO:0018852, HP:0011516.
Achromatopsia 3 (ACHM3). Also called: ACHROMATOPSIA WITH MYOPIA; PINGELAPESE BLINDNESS; TOTAL COLORBLINDNESS WITH MYOPIA; ROD MONOCHROMACY 1; ROD MONOCHROMATISM 1. Identifiers: Orphanet 49382, MedGen C1849792, MONDO:0009875, OMIM 262300.

Allele frequency attached by ClinVar (database versions not stated): gnomAD exomes below 0.00001; ExAC 0.00001.
gnomAD v4.1: 1 of 1,602,312 alleles (0.000062%); highest among the groups gnomAD compares: East Asian, 0.0022%; no homozygotes.

Submissions (4):

Myriad Genetics, Inc.
Classification: Pathogenic for Achromatopsia 3. Last evaluated: 2025-11-26. Review status: criteria provided, single submitter. Criteria: Myriad Autosomal Dominant, Autosomal Recessive and X-Linked Classification Criteria (2023). Collection method: clinical testing. Allele origin: unknown.
Comment: NM_019098.4(CNGB3):c.1579-2A>G is a variant in a canonical splice site classified as pathogenic in the context of achromatopsia, CNGB3-related. c.1579-2A>G has been observed in cases with relevant disease (PMID: 28795510, 36833446). Relevant functional assessments of this variant are not available in the literature. c.1579-2A>G has been observed in referenced population frequency databases. In summary, NM_019098.4(CNGB3):c.1579-2A>G is a variant in a canonical splice site that has been observed more frequently in cases with the relevant disease than in healthy populations. Please note: this variant was assessed in the context of healthy population screening.

Natera, Inc.
Classification: Likely pathogenic for Achromatopsia. Last evaluated: 2025-05-13. Review status: criteria provided, single submitter. Criteria: Natera Variant Classification Schema (03/2026). Collection method: clinical testing. Allele origin: germline.
Comment: The c.1579-2A>G variant in CNGB3 is a canonical splice acceptor site variant predicted to affect pre-mRNA splicing, which may result in an abnormal transcript and altered protein product. This variant may result in a truncated or dysfunctional protein product. This variant is rare in the general population with a frequency below the threshold expected for the associated phenotype(s). This variant has been observed in one or more individuals affected with the associated recessive disease, as either homozygous or compound heterozygous with a second variant (PMID: 36833446, 32531858). Given the available evidence, this variant is classified as Likely Pathogenic.

Blueprint Genetics
Classification: Pathogenic for CNGB3-related disorders. Last evaluated: 2019-07-31. Review status: criteria provided, single submitter. Criteria: ACMG Guidelines, 2015. Collection method: clinical testing. Allele origin: germline. Affected: yes. Observed: 1 variant allele.

Molecular Genetics Laboratory, Institute for Ophthalmic Research
Classification: Pathogenic for ACHM3. Last evaluated: 2017-03-27. Review status: no assertion criteria provided. Collection method: research. Allele origin: germline. Affected: yes. Not counted in ClinVar's aggregate classification.

Literature cited by the submitters: PubMed 28795510 (cited by Myriad Genetics, Inc. and Molecular Genetics Laboratory, Institute for Ophthalmic Research); PubMed 36833446 (cited by Myriad Genetics, Inc. and Natera, Inc.); PubMed 32531858 (cited by Natera, Inc.).